The following is an entry in ClinVar:

NM_000516.7(GNAS):c.153T>C (p.Ser51=)

Gene: GNAS (GNAS complex locus; plus strand). Cytogenetic location: 20q13.32.
Variant type: single nucleotide variant.
Coding change: c.153T>C on transcript NM_000516.7 (MANE Select); coding-DNA position 153, T replaced by C.
Protein change: p.Ser51=; no amino-acid change (serine 51 retained).
Molecular consequence: synonymous variant. On other transcripts: 3 prime UTR variant (3), 5 prime UTR variant (2), non-coding transcript variant (2).
Genome position (GRCh38, 1-based): chr20:58,895,625, T>C. VCF-style: chr20-58895625-T-C. GRCh37 (hg19) VCF-style: chr20-57470680-T-C.
Other names: c.153T>C (NM_000516.5); c.153T>C, p.Ser51= (NM_001077488.5, NM_001077489.4, NM_001309842.2 and 1 more transcripts); c.*14T>C (NM_001077490.3); c.-25T>C (NM_001309840.2, NM_001309861.2); c.*172T>C (NM_001309883.1); c.57T>C, p.Ser19= (NM_001410912.1); c.2082T>C, p.Ser694= (NM_001410913.1, NM_080425.4); c.*56T>C (NM_016592.5).
Identifiers: ClinVar variation 1897034 (VCV001897034.6), dbSNP rs1343665095, ClinGen allele CA511080321.
Genomic context (GRCh38, chr20:58,895,625, plus strand): 5'-TGTTAAAATGCCTCCTTCATAACCTGAGACTTACTTTCATTTTCTAGGTGCTGGAGAATC[T>C]GGTAAAAGCACCATTGTGAAGCAGATGAGGATCCTGCATGTTAATGGGTTTAATGGAGAG-3'
Protein context (NP_000507.1, residues 41-61): HRLLLLGAGE[Ser51=]GKSTIVKQMR

ClinVar aggregate classification (germline): Likely benign. Review status: criteria provided, multiple submitters, no conflicts (2 of 4 stars). 2 submissions from 2 submitters: Likely benign (2). Last evaluated 2025-06-25.

Conditions:
GNAS-related disorder. Identifiers: MedGen CN380105.

Allele frequency attached by ClinVar (database versions not stated): gnomAD exomes below 0.00001.
gnomAD v4.1: 1 of 1,600,646 alleles (0.000062%); highest among the groups gnomAD compares: Admixed American, 0.0017%; no homozygotes.

Submissions (2):

PreventionGenetics, part of Exact Sciences
Classification: Likely benign for GNAS-related condition. Last evaluated: 2025-06-25. Review status: criteria provided, single submitter. Criteria: ACMG Guidelines, 2015. Collection method: clinical testing. Allele origin: germline.
Comment: This variant is classified as likely benign based on ACMG/AMP sequence variant interpretation guidelines (Richards et al. 2015 PMID: 25741868, with internal and published modifications).

Labcorp Genetics (formerly Invitae), Labcorp
Classification: Likely benign. Last evaluated: 2022-06-20. Review status: criteria provided, single submitter. Criteria: Invitae Variant Classification Sherloc (09022015). Collection method: clinical testing. Allele origin: germline.